The following is an entry in ClinVar:

NM_001277115.2(DNAH11):c.4487T>C (p.Leu1496Pro)

Gene: DNAH11 (dynein axonemal heavy chain 11; plus strand). Cytogenetic location: 7p15.3.
Variant type: single nucleotide variant.
Coding change: c.4487T>C on transcript NM_001277115.2 (MANE Select); coding-DNA position 4487, T replaced by C.
Protein change: p.Leu1496Pro; replaces leucine 1496 with proline.
Molecular consequence: missense variant.
Genome position (GRCh38, 1-based): chr7:21,620,065, T>C. VCF-style: chr7-21620065-T-C. GRCh37 (hg19) VCF-style: chr7-21659683-T-C.
Other names: c.4502T>C, p.Leu1501Pro (NM_003777.3); short protein forms L1496P, L1501P.
Identifiers: ClinVar variation 2880099 (VCV002880099.3), dbSNP rs2128454192, ClinGen allele CA366953176.

ClinVar aggregate classification (germline): Uncertain significance (1 of 4 stars; one submission).

Conditions:
Primary ciliary dyskinesia. Also called: Ciliary dyskinesia. Identifiers: Orphanet 244, MedGen C0008780, MONDO:0016575, HP:0012265.

Submission:

Labcorp Genetics (formerly Invitae), Labcorp
Classification: Uncertain significance for Primary ciliary dyskinesia. Last evaluated: 2024-05-13. Review status: criteria provided, single submitter. Criteria: Invitae Variant Classification Sherloc (09022015). Collection method: clinical testing. Allele origin: germline.
Comment: This sequence change replaces leucine, which is neutral and non-polar, with proline, which is neutral and non-polar, at codon 1496 of the DNAH11 protein (p.Leu1496Pro). This variant is not present in population databases (gnomAD no frequency). This variant has not been reported in the literature in individuals affected with DNAH11-related conditions. Advanced modeling of protein sequence and biophysical properties (such as structural, functional, and spatial information, amino acid conservation, physicochemical variation, residue mobility, and thermodynamic stability) performed at Invitae indicates that this missense variant is expected to disrupt DNAH11 protein function with a positive predictive value of 95%. In summary, the available evidence is currently insufficient to determine the role of this variant in disease. Therefore, it has been classified as a Variant of Uncertain Significance.